The following is an entry in ClinVar:

ClinVar aggregate classification (germline): Uncertain significance (1 of 4 stars; one submission).

Conditions:
Developmental and epileptic encephalopathy, 9 (DEE9). Also called: PCDH19-Related X-Linked Female-Limited Epilepsy with Mental Retardation; EPILEPSY, FEMALE-RESTRICTED, WITH MENTAL RETARDATION; Early infantile epileptic encephalopathy 9; JUBERG-HELLMAN SYNDROME. Identifiers: Orphanet 101039, Orphanet 2076, MedGen C1848137, MONDO:0010246, OMIM 300088. Disease mechanism: loss of function.

Submission:

Labcorp Genetics (formerly Invitae), Labcorp
Classification: Uncertain significance for Developmental and epileptic encephalopathy, 9. Last evaluated: 2022-12-02. Review status: criteria provided, single submitter. Criteria: Invitae Variant Classification Sherloc (09022015). Collection method: clinical testing. Allele origin: germline.
Comment: This sequence change replaces glycine, which is neutral and non-polar, with valine, which is neutral and non-polar, at codon 1115 of the PCDH19 protein (p.Gly1115Val). This variant is not present in population databases (gnomAD no frequency). This variant has not been reported in the literature in individuals affected with PCDH19-related conditions. ClinVar contains an entry for this variant (Variation ID: 1385754). Advanced modeling of protein sequence and biophysical properties (such as structural, functional, and spatial information, amino acid conservation, physicochemical variation, residue mobility, and thermodynamic stability) has been performed at Invitae for this missense variant, however the output from this modeling did not meet the statistical confidence thresholds required to predict the impact of this variant on PCDH19 protein function. In summary, the available evidence is currently insufficient to determine the role of this variant in disease. Therefore, it has been classified as a Variant of Uncertain Significance.

NM_001184880.2(PCDH19):c.3344G>T (p.Gly1115Val)

Gene: PCDH19 (protocadherin 19; minus strand). Cytogenetic location: Xq22.1.
Variant type: single nucleotide variant.
Coding change: c.3344G>T on transcript NM_001184880.2 (MANE Select); coding-DNA position 3344, G replaced by T.
Protein change: p.Gly1115Val; replaces glycine 1115 with valine.
Molecular consequence: missense variant.
Genome position (GRCh38, 1-based): chrX:100,296,380, C>A on the plus strand (G>T on the coding strand, the complement: PCDH19 is on the minus strand). VCF-style: chrX-100296380-C-A. GRCh37 (hg19) VCF-style: chrX-99551378-C-A.
Other names: c.3203G>T, p.Gly1068Val (NM_001105243.2); c.3200G>T, p.Gly1067Val (NM_020766.3); short protein forms G1115V, G1067V, G1068V.
Identifiers: ClinVar variation 1385754 (VCV001385754.6), dbSNP rs2147445596, ClinGen allele CA413999525.